The following is an entry in ClinVar:

ClinVar aggregate classification (germline): Likely benign. Review status: criteria provided, multiple submitters, no conflicts (2 of 4 stars). 2 submissions from 2 submitters: Likely benign (2). Last evaluated 2025-02-11.

Allele frequency attached by ClinVar (database versions not stated): gnomAD 0.00008 and 0.00009; gnomAD exomes 0.00011; TOPMed 0.00011; ExAC 0.00015; ESP Exome Variant Server 0.00023.
gnomAD v4.1: 155 of 1,455,524 alleles (0.011%); highest among the groups gnomAD compares: South Asian, 0.016%; no homozygotes.

Submissions (2):

Mayo Clinic Laboratories, Mayo Clinic
Classification: Likely benign. Last evaluated: 2025-02-11. Review status: criteria provided, single submitter. Criteria: ACMG Guidelines, 2015. Collection method: clinical testing. Allele origin: germline. Observed: 1 variant allele.
Comment: BP4, BP7

Labcorp Genetics (formerly Invitae), Labcorp
Classification: Likely benign. Last evaluated: 2024-02-09. Review status: criteria provided, single submitter. Criteria: Invitae Variant Classification Sherloc (09022015). Collection method: clinical testing. Allele origin: germline.

NM_024844.5(NUP85):c.34-9T>C

Gene: NUP85 (nucleoporin 85; plus strand). Cytogenetic location: 17q25.1.
Variant type: single nucleotide variant.
Coding change: c.34-9T>C on transcript NM_024844.5 (MANE Select); 9 bases into the intron before coding-DNA position 34, T replaced by C.
Molecular consequence: intron variant.
Genome position (GRCh38, 1-based): chr17:75,208,518, T>C. VCF-style: chr17-75208518-T-C. GRCh37 (hg19) VCF-style: chr17-73204613-T-C.
Other names: p.?; c.34-9T>C (NM_001330472.2); c.-11-1305T>C (NM_001303276.2).
Identifiers: ClinVar variation 1598310 (VCV001598310.9), dbSNP rs368548724, ClinGen allele CA8758293.